The following is an entry in ClinVar:

NM_033109.5(PNPT1):c.2143C>T (p.Arg715Ter)

Gene: PNPT1 (polyribonucleotide nucleotidyltransferase 1; minus strand). Cytogenetic location: 2p16.1.
Variant type: single nucleotide variant.
Coding change: c.2143C>T on transcript NM_033109.5 (MANE Select); coding-DNA position 2143, C replaced by T.
Protein change: p.Arg715Ter; replaces arginine 715 with a stop codon.
Molecular consequence: nonsense.
Genome position (GRCh38, 1-based): chr2:55,640,632, G>A on the plus strand (C>T on the coding strand, the complement: PNPT1 is on the minus strand). VCF-style: chr2-55640632-G-A. GRCh37 (hg19) VCF-style: chr2-55867767-G-A.
Other names: short protein forms R715*.
Identifiers: ClinVar variation 3775873 (VCV003775873.1).
Genomic context (GRCh38, chr2:55,640,632, plus strand): 5'-ATACAGTGTTTCAAGGCAGTTATAAAAATAATAACAATAACATCTGTCTTTTTACCTTTC[G>A]TTGATCAAGTTGTGTGTTATGAAGCAGTACCGCAGTCATATTTGGATATAATTTTACCAT-3'

ClinVar aggregate classification (germline): Likely pathogenic (1 of 4 stars; one submission).

Conditions:
Spinocerebellar ataxia type 25. Identifiers: Orphanet 101111, MedGen C1837518, MONDO:0012103, OMIM 608703.

gnomAD v4.1: 3 of 1,579,656 alleles (0.00019%); highest among the groups gnomAD compares: Non-Finnish European, 0.00026%; no homozygotes.

Submission:

3billion
Classification: Likely pathogenic for Spinocerebellar ataxia type 25. Last evaluated: 2023-10-19. Review status: criteria provided, single submitter. Criteria: ACMG Guidelines, 2015. Collection method: clinical testing. Allele origin: germline. Affected: yes.
Comment: The variant is not observed in the gnomAD v2.1.1 dataset. Predicted Consequence/Location: Stop-gained (nonsense): predicted to result in a loss or disruption of normal protein function through nonsense-mediated decay (NMD) or protein truncation. Therefore, this variant is classified as Likely pathogenic according to the recommendation of ACMG/AMP guideline.